The following is an entry in ClinVar:

NM_016169.4(SUFU):c.67C>G (p.Pro23Ala)

Genes: SUFU (SUFU negative regulator of hedgehog signaling; plus strand), LOC130004614 (ATAC-STARR-seq lymphoblastoid silent region 2764; plus strand). Cytogenetic location: 10q24.32.
Variant type: single nucleotide variant.
Coding change: c.67C>G on transcript NM_016169.4 (MANE Select); coding-DNA position 67, C replaced by G.
Protein change: p.Pro23Ala; replaces proline 23 with alanine.
Molecular consequence: missense variant.
Genome position (GRCh38, 1-based): chr10:102,504,219, C>G. VCF-style: chr10-102504219-C-G. GRCh37 (hg19) VCF-style: chr10-104263976-C-G.
Other names: c.67C>G, p.Pro23Ala (NM_001178133.2); c.67C>G (NM_016169.3); short protein forms P23A.
Identifiers: ClinVar variation 1016982 (VCV001016982.8), dbSNP rs766666529, ClinGen allele CA377886330.

ClinVar aggregate classification (germline): Uncertain significance. Review status: criteria provided, multiple submitters, no conflicts (2 of 4 stars). 2 submissions from 2 submitters: Uncertain significance (2). Last evaluated 2024-07-09.

Conditions:
Medulloblastoma (MDB). Also called: MEDULLOBLASTOMA PREDISPOSITION SYNDROME; Medulloblastoma, somatic. Identifiers: Orphanet 616, MedGen C0025149, MeSH D008527, MONDO:0007959, OMIM 155255, HP:0002885.
Gorlin syndrome. Also called: Nevoid Basal Cell Carcinoma Syndrome; Basal cell nevus syndrome. Identifiers: Orphanet 377, MedGen C0004779, MONDO:0007187.
Hereditary cancer-predisposing syndrome. Also called: Tumor predisposition; Hereditary Cancer Syndrome; Neoplastic Syndromes, Hereditary; Hereditary neoplastic syndrome. Identifiers: Orphanet 140162, MedGen C0027672, MeSH D009386, MONDO:0015356.

Allele frequency attached by ClinVar (database versions not stated): TOPMed 0.00002.

Submissions (2):

Ambry Genetics
Classification: Uncertain significance for Hereditary cancer-predisposing syndrome. Last evaluated: 2024-07-09. Review status: criteria provided, single submitter. Criteria: Ambry Variant Classification Scheme 2023. Collection method: clinical testing. Allele origin: germline.
Comment: The p.P23A variant (also known as c.67C>G), located in coding exon 1 of the SUFU gene, results from a C to G substitution at nucleotide position 67. The proline at codon 23 is replaced by alanine, an amino acid with highly similar properties. This amino acid position is conserved. In addition, this alteration is predicted to be tolerated by in silico analysis. Based on the available evidence, the clinical significance of this variant remains unclear.

Labcorp Genetics (formerly Invitae), Labcorp
Classification: Uncertain significance for Gorlin syndrome; Medulloblastoma. Last evaluated: 2022-12-16. Review status: criteria provided, single submitter. Criteria: Invitae Variant Classification Sherloc (09022015). Collection method: clinical testing. Allele origin: germline.
Comment: ClinVar contains an entry for this variant (Variation ID: 1016982). This variant has not been reported in the literature in individuals affected with SUFU-related conditions. This variant is not present in population databases (gnomAD no frequency). This sequence change replaces proline, which is neutral and non-polar, with alanine, which is neutral and non-polar, at codon 23 of the SUFU protein (p.Pro23Ala). Algorithms developed to predict the effect of missense changes on protein structure and function are either unavailable or do not agree on the potential impact of this missense change (SIFT: "Tolerated"; PolyPhen-2: "Possibly Damaging"; Align-GVGD: "Class C0"). In summary, the available evidence is currently insufficient to determine the role of this variant in disease. Therefore, it has been classified as a Variant of Uncertain Significance.